The following is an entry in ClinVar:

NM_001008537.3(NEXMIF):c.3200C>T (p.Ser1067Phe)

Gene: NEXMIF (neurite extension and migration factor; minus strand). Cytogenetic location: Xq13.3.
Variant type: single nucleotide variant.
Coding change: c.3200C>T on transcript NM_001008537.3 (MANE Select); coding-DNA position 3200, C replaced by T.
Protein change: p.Ser1067Phe; replaces serine 1067 with phenylalanine.
Molecular consequence: missense variant.
Genome position (GRCh38, 1-based): chrX:74,741,357, G>A on the plus strand (C>T on the coding strand, the complement: NEXMIF is on the minus strand). VCF-style: chrX-74741357-G-A. GRCh37 (hg19) VCF-style: chrX-73961192-G-A.
Other names: short protein forms S1067F.
Identifiers: ClinVar variation 3906814 (VCV003906814.1).

ClinVar aggregate classification (germline): Uncertain significance (1 of 4 stars; one submission).

Submission:

GeneDx
Classification: Uncertain significance. Last evaluated: 2024-12-20. Review status: criteria provided, single submitter. Criteria: GeneDx Variant Classification Process June 2021. Collection method: clinical testing. Allele origin: germline. Affected: yes.
Comment: Not observed at significant frequency in large population cohorts (gnomAD); In silico analysis supports that this missense variant has a deleterious effect on protein structure/function; Has not been previously published as pathogenic or benign to our knowledge